The following is an entry in ClinVar:

ClinVar aggregate classification (germline): Uncertain significance (1 of 4 stars; one submission).

Submission:

Labcorp Genetics (formerly Invitae), Labcorp
Classification: Uncertain significance. Last evaluated: 2024-10-22. Review status: criteria provided, single submitter. Criteria: Invitae Variant Classification Sherloc (09022015). Collection method: clinical testing. Allele origin: germline.
Comment: This sequence change creates a premature translational stop signal (p.Glu694Serfs*3) in the TNFAIP3 gene. While this is not anticipated to result in nonsense mediated decay, it is expected to disrupt the last 97 amino acid(s) of the TNFAIP3 protein. This variant is not present in population databases (gnomAD no frequency). This variant has not been reported in the literature in individuals affected with TNFAIP3-related conditions. Experimental studies and prediction algorithms are not available or were not evaluated, and the functional significance of this variant is currently unknown. In summary, the available evidence is currently insufficient to determine the role of this variant in disease. Therefore, it has been classified as a Variant of Uncertain Significance.

NM_001270508.2(TNFAIP3):c.2079del (p.Glu694fs)

Gene: TNFAIP3 (TNF alpha induced protein 3; plus strand). Cytogenetic location: 6q23.3.
Variant type: Deletion.
Coding change: c.2079del on transcript NM_001270508.2 (MANE Select); coding-DNA position 2079, one base deleted (A; older notation c.2079delA).
Protein change: p.Glu694fs; shifts the reading frame from glutamic acid 694.
Molecular consequence: frameshift variant.
Genome position (GRCh38, 1-based): chr6:137,880,243, A deleted; the last of 2 consecutive A bases (chr6:137,880,242-137,880,243); deleting either gives the same sequence. VCF-style (leftmost placement, unchanged base first): chr6-137880241-GA-G. GRCh37 (hg19) VCF-style: chr6-138201378-GA-G.
Other names: c.2079del, p.Glu694fs (NM_001270507.2, NM_006290.4); short protein forms E694fs.
Identifiers: ClinVar variation 2822048 (VCV002822048.3), dbSNP rs2482766734, ClinGen allele CA2739266189.
Genomic context (GRCh38, chr6:137,880,241, plus strand): 5'-TACTGCCAGAAGTGTTTCATTGAAGCTCAGAATCAGAGATTTCATGAGGCCAAAAGGACA[GA>G]AGAGCAACTGGTGAGACACTTGGAGGAGCTTTCCCTCCCTCCCGTGTGTTCGATGCTTTT-3'